The following is an entry in ClinVar:

NM_001846.4(COL4A2):c.360+6T>C

Gene: COL4A2 (collagen type IV alpha 2 chain; plus strand). Cytogenetic location: 13q34.
Variant type: single nucleotide variant.
Coding change: c.360+6T>C on transcript NM_001846.4 (MANE Select); 6 bases into the intron after coding-DNA position 360, T replaced by C.
Molecular consequence: intron variant.
Genome position (GRCh38, 1-based): chr13:110,425,003, T>C. VCF-style: chr13-110425003-T-C. GRCh37 (hg19) VCF-style: chr13-111077350-T-C.
Identifiers: ClinVar variation 429239 (VCV000429239.2), dbSNP rs1131691273, ClinGen allele CA645369605.

ClinVar aggregate classification (germline): Uncertain significance (1 of 4 stars; one submission).

Submission:

GeneDx
Classification: Uncertain significance. Last evaluated: 2017-05-03. Review status: criteria provided, single submitter. Criteria: GeneDx Variant Classification (06012015). Collection method: clinical testing. Allele origin: germline. Affected: yes.
Comment: The c.360+6T>C variant in the COL4A2 gene has not been reported previously as a pathogenic variant nor as a benign variant, to our knowledge. Some splice predictor models indicate that this sequence change may damage the natural splice donor site in intron 6, which may cause abnormal gene splicing; however, in the absence of RNA/functional studies, the actual effect of this sequence change in this individual is unknown. The c.360+6T>C variant is not observed in large population cohorts (Lek et al., 2016; 1000 Genomes Consortium et al., 2015; Exome Variant Server). We interpret c.360+6T>C as a variant of uncertain significance